The following is an entry in ClinVar:

ClinVar aggregate classification (germline): Uncertain significance (1 of 4 stars; one submission).

gnomAD v4.1: 8 of 1,611,698 alleles (0.0005%); highest among the groups gnomAD compares: Non-Finnish European, 0.00059%; no homozygotes.

Submission:

Labcorp Genetics (formerly Invitae), Labcorp
Classification: Uncertain significance. Last evaluated: 2025-04-19. Review status: criteria provided, single submitter. Criteria: Invitae Variant Classification Sherloc (09022015). Collection method: clinical testing. Allele origin: germline.
Comment: This sequence change replaces tyrosine, which is neutral and polar, with asparagine, which is neutral and polar, at codon 87 of the CANT1 protein (p.Tyr87Asn). This variant is present in population databases (rs771367044, gnomAD 0.0009%). This variant has not been reported in the literature in individuals affected with CANT1-related conditions. Invitae Evidence Modeling of protein sequence and biophysical properties (such as structural, functional, and spatial information, amino acid conservation, physicochemical variation, residue mobility, and thermodynamic stability) indicates that this missense variant is expected to disrupt CANT1 protein function with a positive predictive value of 95%. In summary, the available evidence is currently insufficient to determine the role of this variant in disease. Therefore, it has been classified as a Variant of Uncertain Significance.

NM_001159773.2(CANT1):c.259T>A (p.Tyr87Asn)

Gene: CANT1 (calcium activated nucleotidase 1; minus strand). Cytogenetic location: 17q25.3.
Variant type: single nucleotide variant.
Coding change: c.259T>A on transcript NM_001159773.2 (MANE Select); coding-DNA position 259, T replaced by A.
Protein change: p.Tyr87Asn; replaces tyrosine 87 with asparagine.
Molecular consequence: missense variant.
Genome position (GRCh38, 1-based): chr17:78,997,364, A>T on the plus strand (T>A on the coding strand, the complement: CANT1 is on the minus strand). VCF-style: chr17-78997364-A-T. GRCh37 (hg19) VCF-style: chr17-76993446-A-T.
Other names: c.259T>A, p.Tyr87Asn (NM_001159772.2, NM_138793.4); short protein forms Y87N.
Identifiers: ClinVar variation 4764764 (VCV004764764.1).